The following is an entry in ClinVar:

NM_022455.5(NSD1):c.4072C>T (p.Gln1358Ter)

Gene: NSD1 (nuclear receptor binding SET domain protein 1; plus strand). Cytogenetic location: 5q35.3.
Variant type: single nucleotide variant.
Coding change: c.4072C>T on transcript NM_022455.5 (MANE Select); coding-DNA position 4072, C replaced by T.
Protein change: p.Gln1358Ter; replaces glutamine 1358 with a stop codon.
Molecular consequence: nonsense.
Genome position (GRCh38, 1-based): chr5:177,238,387, C>T. VCF-style: chr5-177238387-C-T. GRCh37 (hg19) VCF-style: chr5-176665388-C-T.
Other names: c.3199C>T, p.Gln1067Ter (NM_001365684.2, NM_001409306.1, NM_001409307.1 and 3 more transcripts); c.4072C>T, p.Gln1358Ter (NM_001409301.1, NM_001409302.1, NM_001409303.1); c.3652C>T, p.Gln1218Ter (NM_001409304.1); c.3319C>T, p.Gln1107Ter (NM_001409305.1); short protein forms Q1067*, Q1107*, Q1218*, Q1358*.
Identifiers: ClinVar variation 2632854 (VCV002632854.2), dbSNP rs2149887555, ClinGen allele CA362340754.

ClinVar aggregate classification (germline): Pathogenic. Review status: criteria provided, multiple submitters, no conflicts (2 of 4 stars). 2 submissions from 2 submitters: Pathogenic (2). Last evaluated 2023-05-03.

Conditions:
Intellectual disability. Also called: Intellectual functioning disability; intellectual disabilities; Intellectual developmental disorder. Identifiers: MedGen C3714756, MeSH D008607, MONDO:0001071, HP:0001249.
NSD1-related disorder. Also called: NSD1-related condition.

Submissions (2):

PreventionGenetics, part of Exact Sciences
Classification: Pathogenic for NSD1-related condition. Last evaluated: 2023-05-03. Review status: criteria provided, single submitter. Criteria: ACMG Guidelines, 2015. Collection method: clinical testing. Allele origin: germline.
Comment: The NSD1 c.4072C>T variant is predicted to result in premature protein termination (p.Gln1358*). This variant was reported as a de novo finding in an individual with mild intellectual disability and overgrowth (Tatton-Brown et al. 2017. PubMed ID: 28475857). This variant has not been reported in a large population database, indicating this variant is rare. Nonsense variants in NSD1 are expected to be pathogenic. This variant is interpreted as pathogenic.

Cambridge Genomics Laboratory, East Genomic Laboratory Hub, NHS Genomic Medicine Service
Classification: Pathogenic for Intellectual disability. Last evaluated: 2020-01-20. Review status: criteria provided, single submitter. Criteria: ACGS Best Practice Guidelines for Variant Classification in Rare Disease 2020. Collection method: clinical testing. Allele origin: germline. Affected: yes. Observed: 1 variant allele.